The following is an entry in ClinVar:

ClinVar aggregate classification (germline): Uncertain significance (1 of 4 stars; one submission).

Conditions:
Migraine, familial hemiplegic, 2. Identifiers: Orphanet 569, MedGen C1865322, MONDO:0011232, OMIM 602481.

Submission:

MGZ Medical Genetics Center
Classification: Uncertain significance for Migraine, familial hemiplegic, 2. Last evaluated: 2021-10-27. Review status: criteria provided, single submitter. Criteria: ACMG Guidelines, 2015. Collection method: clinical testing. Allele origin: germline. Affected: yes. Observed: 1 variant allele.
Comment: ACMG criteria applied: PM2_SUP, PP2, PP3

NM_000702.4(ATP1A2):c.782A>G (p.Asp261Gly)

Gene: ATP1A2 (ATPase Na+/K+ transporting subunit alpha 2; plus strand). Cytogenetic location: 1q23.2.
Variant type: single nucleotide variant.
Coding change: c.782A>G on transcript NM_000702.4 (MANE Select); coding-DNA position 782, A replaced by G.
Protein change: p.Asp261Gly; replaces aspartic acid 261 with glycine.
Molecular consequence: missense variant.
Genome position (GRCh38, 1-based): chr1:160,127,585, A>G. VCF-style: chr1-160127585-A-G. GRCh37 (hg19) VCF-style: chr1-160097375-A-G.
Other names: short protein forms D261G.
Identifiers: ClinVar variation 1709859 (VCV001709859.2), dbSNP rs2524865137, ClinGen allele CA343237134.